The following is an entry in ClinVar:

NM_001242896.3(DEPDC5):c.347G>A (p.Arg116Gln)

Gene: DEPDC5 (DEP domain containing 5, GATOR1 subcomplex subunit; plus strand). Cytogenetic location: 22q12.2.
Variant type: single nucleotide variant.
Coding change: c.347G>A on transcript NM_001242896.3 (MANE Select); coding-DNA position 347, G replaced by A.
Protein change: p.Arg116Gln; replaces arginine 116 with glutamine.
Molecular consequence: missense variant. On other transcripts: non-coding transcript variant (5), intron variant (2).
Genome position (GRCh38, 1-based): chr22:31,766,652, G>A. VCF-style: chr22-31766652-G-A. GRCh37 (hg19) VCF-style: chr22-32162638-G-A.
Other names: c.347G>A, p.Arg116Gln (NM_001007188.4, NM_001136029.4, NM_001242897.2 and 7 more transcripts); c.279+1592G>A (NM_001369902.1, NM_001369901.1); short protein forms R116Q.
Identifiers: ClinVar variation 1062894 (VCV001062894.7), dbSNP rs777623410, ClinGen allele CA10195915.

ClinVar aggregate classification (germline): Uncertain significance (1 of 4 stars; one submission).

Conditions:
Familial focal epilepsy with variable foci (FPEVF). Identifiers: Orphanet 98820, MedGen C1858477, MONDO:0020310.

Allele frequency attached by ClinVar (database versions not stated): gnomAD exomes below 0.00001; ExAC 0.00001; gnomAD 0.00001.

Submission:

Labcorp Genetics (formerly Invitae), Labcorp
Classification: Uncertain significance for Familial focal epilepsy with variable foci. Last evaluated: 2025-10-01. Review status: criteria provided, single submitter. Criteria: Invitae Variant Classification Sherloc (09022015). Collection method: clinical testing. Allele origin: germline.
Comment: This sequence change replaces arginine, which is basic and polar, with glutamine, which is neutral and polar, at codon 116 of the DEPDC5 protein (p.Arg116Gln). This variant is present in population databases (rs777623410, gnomAD 0.002%). This variant has not been reported in the literature in individuals affected with DEPDC5-related conditions. ClinVar contains an entry for this variant (Variation ID: 1062894). Experimental studies and prediction algorithms are not available or were not evaluated, and the functional significance of this variant is currently unknown. In summary, the available evidence is currently insufficient to determine the role of this variant in disease. Therefore, it has been classified as a Variant of Uncertain Significance.